The following is an entry in ClinVar:

NM_000116.5(TAFAZZIN):c.98G>T (p.Cys33Phe)

Genes: DNASE1L1 (deoxyribonuclease 1 like 1; minus strand), TAFAZZIN (tafazzin, phospholipid-lysophospholipid transacylase; plus strand), LOC130068869 (ATAC-STARR-seq lymphoblastoid silent region 21101; plus strand). Cytogenetic location: Xq28.
Variant type: single nucleotide variant.
Coding change: c.98G>T on transcript NM_000116.5 (MANE Select); coding-DNA position 98, G replaced by T.
Protein change: p.Cys33Phe; replaces cysteine 33 with phenylalanine.
Molecular consequence: missense variant. On other transcripts: 5 prime UTR variant (3), non-coding transcript variant (1).
Genome position (GRCh38, 1-based): chrX:154,411,941, G>T. VCF-style: chrX-154411941-G-T. GRCh37 (hg19) VCF-style: chrX-153640278-G-T.
Other names: c.-481C>A (NM_001009932.3); c.-223C>A (NM_001009933.3); c.-138C>A (NM_001009934.3); c.98G>T, p.Cys33Phe (NM_001303465.2, NM_001410698.1, NM_001440856.1 and 5 more transcripts); short protein forms C33F.
Identifiers: ClinVar variation 3639776 (VCV003639776.2).
Genomic context (GRCh38, chrX:154,411,941, plus strand): 5'-CGCCGCTCACCTGGACCCTGGCCAGCAGCGTCGTCATGGGCTTGGTGGGCACCTACAGCT[G>T]CTTCTGGACCAGTGAGTGGGCCCAGGCCGAGGCAGGCCCGCCCGGGTACCCATGCCCGGC-3'
Protein context (NP_000107.1, residues 23-43): VVMGLVGTYS[Cys33Phe]FWTKYMNHLT

ClinVar aggregate classification (germline): Uncertain significance (1 of 4 stars; one submission).

Conditions:
3-Methylglutaconic aciduria type 2 (BTHS). Also called: CARDIOSKELETAL MYOPATHY WITH NEUTROPENIA AND ABNORMAL MITOCHONDRIA; Barth syndrome. Identifiers: Orphanet 111, MedGen C0574083, MONDO:0010543, OMIM 302060.

Submission:

Labcorp Genetics (formerly Invitae), Labcorp
Classification: Uncertain significance for 3-Methylglutaconic aciduria type 2. Last evaluated: 2024-02-08. Review status: criteria provided, single submitter. Criteria: Invitae Variant Classification Sherloc (09022015). Collection method: clinical testing. Allele origin: germline.
Comment: This sequence change replaces cysteine, which is neutral and slightly polar, with phenylalanine, which is neutral and non-polar, at codon 33 of the TAZ protein (p.Cys33Phe). This variant is not present in population databases (gnomAD no frequency). This variant has not been reported in the literature in individuals affected with TAZ-related conditions. An algorithm developed to predict the effect of missense changes on protein structure and function (PolyPhen-2) suggests that this variant is likely to be tolerated. In summary, the available evidence is currently insufficient to determine the role of this variant in disease. Therefore, it has been classified as a Variant of Uncertain Significance.